The following is an entry in ClinVar:

NM_006904.7(PRKDC):c.2414T>C (p.Leu805Ser)

Gene: PRKDC (protein kinase, DNA-activated, catalytic subunit; minus strand). Cytogenetic location: 8q11.21.
Variant type: single nucleotide variant.
Coding change: c.2414T>C on transcript NM_006904.7 (MANE Select); coding-DNA position 2414, T replaced by C.
Protein change: p.Leu805Ser; replaces leucine 805 with serine.
Molecular consequence: missense variant.
Genome position (GRCh38, 1-based): chr8:47,927,199, A>G on the plus strand (T>C on the coding strand, the complement: PRKDC is on the minus strand). VCF-style: chr8-47927199-A-G. GRCh37 (hg19) VCF-style: chr8-48839759-A-G.
Other names: c.2414T>C, p.Leu805Ser (NM_001081640.2); short protein forms L805S.
Identifiers: ClinVar variation 1790926 (VCV001790926.3), dbSNP rs1315760285, ClinGen allele CA371161644.

ClinVar aggregate classification (germline): Uncertain significance. Review status: criteria provided, multiple submitters, no conflicts (2 of 4 stars). 2 submissions from 2 submitters: Uncertain significance (2). Last evaluated 2024-08-17.

Allele frequency attached by ClinVar (database versions not stated): gnomAD exomes below 0.00001.
gnomAD v4.1: 1 of 1,613,338 alleles (0.000062%); highest among the groups gnomAD compares: Non-Finnish European, 0.000085%; no homozygotes.

Submissions (2):

GeneDx
Classification: Uncertain significance. Last evaluated: 2024-08-17. Review status: criteria provided, single submitter. Criteria: GeneDx Variant Classification Process June 2021. Collection method: clinical testing. Allele origin: germline. Affected: yes.
Comment: Not observed at significant frequency in large population cohorts (gnomAD); In silico analysis indicates that this missense variant does not alter protein structure/function; Has not been previously published as pathogenic or benign to our knowledge

Ambry Genetics
Classification: Uncertain significance. Last evaluated: 2022-10-12. Review status: criteria provided, single submitter. Criteria: Ambry Variant Classification Scheme 2023. Collection method: clinical testing. Allele origin: germline.
Comment: The p.L805S variant (also known as c.2414T>C), located in coding exon 21 of the PRKDC gene, results from a T to C substitution at nucleotide position 2414. The leucine at codon 805 is replaced by serine, an amino acid with dissimilar properties. This amino acid position is conserved. In addition, this alteration is predicted to be tolerated by in silico analysis. Since supporting evidence is limited at this time, the clinical significance of this alteration remains unclear.